The following is an entry in ClinVar:

NM_021625.5(TRPV4):c.839G>A (p.Gly280Asp)

Gene: TRPV4 (transient receptor potential cation channel subfamily V member 4; minus strand). Cytogenetic location: 12q24.11.
Variant type: single nucleotide variant.
Coding change: c.839G>A on transcript NM_021625.5 (MANE Select); coding-DNA position 839, G replaced by A.
Protein change: p.Gly280Asp; replaces glycine 280 with aspartic acid.
Molecular consequence: missense variant. On other transcripts: intron variant (2).
Genome position (GRCh38, 1-based): chr12:109,800,632, C>T on the plus strand (G>A on the coding strand, the complement: TRPV4 is on the minus strand). VCF-style: chr12-109800632-C-T. GRCh37 (hg19) VCF-style: chr12-110238437-C-T.
Other names: c.839G>A, p.Gly280Asp (NM_147204.3); c.713-1720G>A (NM_001177433.1, NM_001177428.1); c.737G>A, p.Gly246Asp (NM_001177431.2); short protein forms G246D, G280D.
Identifiers: ClinVar variation 4803074 (VCV004803074.1).

ClinVar aggregate classification (germline): Uncertain significance (1 of 4 stars; one submission).

Conditions:
Charcot-Marie-Tooth disease axonal type 2C (HMSN2C). Also called: Charcot-Marie-Tooth Neuropathy Type 2C; CHARCOT-MARIE-TOOTH DISEASE, AXONAL, AUTOSOMAL DOMINANT, TYPE 2C; Charcot-Marie-Tooth Disease Type 2, TRPV4-Related (CMT2C). Identifiers: Orphanet 99937, MedGen C1853710, MONDO:0011633, OMIM 606071.

gnomAD v4.1: 1 of 1,614,046 alleles (0.000062%); highest among the groups gnomAD compares: Non-Finnish European, 0.000085%; no homozygotes.

Submission:

Labcorp Genetics (formerly Invitae), Labcorp
Classification: Uncertain significance for Charcot-Marie-Tooth disease axonal type 2C. Last evaluated: 2025-10-17. Review status: criteria provided, single submitter. Criteria: Invitae Variant Classification Sherloc (09022015). Collection method: clinical testing. Allele origin: germline.
Comment: This sequence change replaces glycine, which is neutral and non-polar, with aspartic acid, which is acidic and polar, at codon 280 of the TRPV4 protein (p.Gly280Asp). This variant is not present in population databases (gnomAD no frequency). This variant has not been reported in the literature in individuals affected with TRPV4-related conditions. Invitae Evidence Modeling of protein sequence and biophysical properties (such as structural, functional, and spatial information, amino acid conservation, physicochemical variation, residue mobility, and thermodynamic stability) has been performed for this missense variant. However, the output from this modeling did not meet the statistical confidence thresholds required to predict the impact of this variant on TRPV4 protein function. This variant disrupts the p.Gly280 amino acid residue in TRPV4. Other variant(s) that disrupt this residue have been determined to be pathogenic (PMID: 30214761). This suggests that this residue is clinically significant, and that variants that disrupt this residue are likely to be disease-causing. In summary, the available evidence is currently insufficient to determine the role of this variant in disease. Therefore, it has been classified as a Variant of Uncertain Significance.

Literature cited by the submitters: PubMed 30214761.